The following is an entry in ClinVar:

NM_024996.7(GFM1):c.368-6A>T

Gene: GFM1 (G elongation factor mitochondrial 1; plus strand). Cytogenetic location: 3q25.32.
Variant type: single nucleotide variant.
Coding change: c.368-6A>T on transcript NM_024996.7 (MANE Select); 6 bases into the intron before coding-DNA position 368, A replaced by T.
Molecular consequence: intron variant.
Genome position (GRCh38, 1-based): chr3:158,646,737, A>T. VCF-style: chr3-158646737-A-T. GRCh37 (hg19) VCF-style: chr3-158364526-A-T.
Other names: c.5+956A>T (NM_001374359.1, NM_001374360.1, NM_001374361.1); c.234+956A>T (NM_001374358.1); c.368-6A>T (NM_001308166.2, NM_001308164.2, NM_001374355.1 and 2 more transcripts); c.143-6A>T (NM_001374357.1).
Identifiers: ClinVar variation 1137432 (VCV001137432.10), dbSNP rs769610645, ClinGen allele CA2682320.

ClinVar aggregate classification (germline): Likely benign. Review status: criteria provided, multiple submitters, no conflicts (2 of 4 stars). 2 submissions from 2 submitters: Likely benign (2). Last evaluated 2026-01-06.

Conditions:
GFM1-related disorder. Also called: GFM1-related condition.

Allele frequency attached by ClinVar (database versions not stated): gnomAD exomes 0.00001; ExAC 0.00002.
gnomAD v4.1: 4 of 1,611,328 alleles (0.00025%); highest among the groups gnomAD compares: Admixed American, 0.0034%; no homozygotes.

Submissions (2):

PreventionGenetics, part of Exact Sciences
Classification: Likely benign for GFM1-related condition. Last evaluated: 2026-01-06. Review status: criteria provided, single submitter. Criteria: ACMG Guidelines, 2015. Collection method: clinical testing. Allele origin: germline.
Comment: This variant is classified as likely benign based on ACMG/AMP sequence variant interpretation guidelines (Richards et al. 2015 PMID: 25741868, with internal and published modifications).

Labcorp Genetics (formerly Invitae), Labcorp
Classification: Likely benign. Last evaluated: 2024-01-15. Review status: criteria provided, single submitter. Criteria: Invitae Variant Classification Sherloc (09022015). Collection method: clinical testing. Allele origin: germline.